The following is an entry in ClinVar:

ClinVar aggregate classification (germline): Uncertain significance (1 of 4 stars; one submission).

Conditions:
Cardiovascular phenotype. Identifiers: MedGen CN230736.

Submission:

Ambry Genetics
Classification: Uncertain significance for Cardiovascular phenotype. Last evaluated: 2023-09-21. Review status: criteria provided, single submitter. Criteria: Ambry Variant Classification Scheme 2023. Collection method: clinical testing. Allele origin: germline.
Comment: The p.N307K variant (also known as c.921T>A), located in coding exon 7 of the LAMP2 gene, results from a T to A substitution at nucleotide position 921. The asparagine at codon 307 is replaced by lysine, an amino acid with similar properties. This amino acid position is highly conserved in available vertebrate species. In addition, this alteration is predicted to be tolerated by in silico analysis. Since supporting evidence is limited at this time, the clinical significance of this alteration remains unclear.

NM_002294.3(LAMP2):c.921T>A (p.Asn307Lys)

Gene: LAMP2 (lysosomal associated membrane protein 2; minus strand). Cytogenetic location: Xq24.
Variant type: single nucleotide variant.
Coding change: c.921T>A on transcript NM_002294.3 (MANE Select); coding-DNA position 921, T replaced by A.
Protein change: p.Asn307Lys; replaces asparagine 307 with lysine.
Molecular consequence: missense variant.
Genome position (GRCh38, 1-based): chrX:120,442,606, A>T on the plus strand (T>A on the coding strand, the complement: LAMP2 is on the minus strand). VCF-style: chrX-120442606-A-T. GRCh37 (hg19) VCF-style: chrX-119576461-A-T.
Other names: c.921T>A, p.Asn307Lys (NM_001122606.1, NM_013995.2); short protein forms N307K.
Identifiers: ClinVar variation 3222068 (VCV003222068.1), dbSNP rs2520864400, ClinGen allele CA414400277.